The following is an entry in ClinVar:

ClinVar aggregate classification (germline): Likely pathogenic (1 of 4 stars; one submission).

Conditions:
Pendred syndrome (PDS). Also called: THYROID DYSHORMONOGENESIS 2B; THYROID HORMONOGENESIS, GENETIC DEFECT IN, 2B; DEAFNESS WITH GOITER; GOITER-DEAFNESS SYNDROME; HYPOTHYROIDISM, CONGENITAL, DUE TO DYSHORMONOGENESIS, 2B; Pendred's syndrome. Identifiers: Orphanet 705, MedGen C0271829, MONDO:0010134, OMIM 274600.

Submission:

Myriad Genetics, Inc.
Classification: Likely pathogenic for Pendred syndrome. Last evaluated: 2021-12-31. Review status: criteria provided, single submitter. Criteria: Myriad Women's Health Autosomal Recessive and X-Linked Classification Criteria (2021). Collection method: clinical testing. Allele origin: unknown.
Comment: NM_000441.1(SLC26A4):c.255delT(S86Vfs*11) is expected to be pathogenic in the context of Pendred syndrome. This variant is predicted to lead to an abnormal or absent protein product due to the creation of a premature termination codon in SLC26A4, a gene where loss-of-function variants are known to be pathogenic. Please note: this variant was assessed in the context of healthy population screening.

NM_000441.2(SLC26A4):c.255del (p.Ser86fs)

Gene: SLC26A4 (solute carrier family 26 member 4; plus strand). Cytogenetic location: 7q22.3.
Variant type: Deletion.
Coding change: c.255del on transcript NM_000441.2 (MANE Select); coding-DNA position 255, one base deleted (T; older notation c.255delT).
Protein change: p.Ser86fs; shifts the reading frame from serine 86.
Molecular consequence: frameshift variant.
Genome position (GRCh38, 1-based): chr7:107,663,386, T deleted; the last of 2 consecutive T bases (chr7:107,663,385-107,663,386); deleting either gives the same sequence. VCF-style (leftmost placement, unchanged base first): chr7-107663384-CT-C. GRCh37 (hg19) VCF-style: chr7-107303829-CT-C.
Other names: short protein forms S86fs.
Identifiers: ClinVar variation 1726737 (VCV001726737.2), dbSNP rs2535281505, ClinGen allele CA2580076144.